The following is an entry in ClinVar:

ClinVar aggregate classification (germline): Uncertain significance (1 of 4 stars; one submission).

Conditions:
Dilated cardiomyopathy 1JJ (CMD1JJ). Identifiers: Orphanet 154, MedGen C3808935, MONDO:0014095, OMIM 615235.

Allele frequency attached by ClinVar (database versions not stated): gnomAD exomes below 0.00001; TOPMed below 0.00001; gnomAD 0.00001.
gnomAD v4.1: 3 of 1,613,930 alleles (0.00019%); highest among the groups gnomAD compares: Admixed American, 0.005%; no homozygotes.

Submission:

Labcorp Genetics (formerly Invitae), Labcorp
Classification: Uncertain significance for Dilated cardiomyopathy 1JJ. Last evaluated: 2023-09-03. Review status: criteria provided, single submitter. Criteria: Invitae Variant Classification Sherloc (09022015). Collection method: clinical testing. Allele origin: germline.
Comment: In summary, the available evidence is currently insufficient to determine the role of this variant in disease. Therefore, it has been classified as a Variant of Uncertain Significance. An algorithm developed to predict the effect of missense changes on protein structure and function (PolyPhen-2) suggests that this variant is likely to be disruptive. This variant has not been reported in the literature in individuals affected with LAMA4-related conditions. This variant is present in population databases (no rsID available, gnomAD 0.003%). This sequence change replaces serine, which is neutral and polar, with glycine, which is neutral and non-polar, at codon 250 of the LAMA4 protein (p.Ser250Gly).

NM_001105206.3(LAMA4):c.748A>G (p.Ser250Gly)

Gene: LAMA4 (laminin subunit alpha 4; minus strand). Cytogenetic location: 6q21.
Variant type: single nucleotide variant.
Coding change: c.748A>G on transcript NM_001105206.3 (MANE Select); coding-DNA position 748, A replaced by G.
Protein change: p.Ser250Gly; replaces serine 250 with glycine.
Molecular consequence: missense variant.
Genome position (GRCh38, 1-based): chr6:112,189,176, T>C on the plus strand (A>G on the coding strand, the complement: LAMA4 is on the minus strand). VCF-style: chr6-112189176-T-C. GRCh37 (hg19) VCF-style: chr6-112510378-T-C.
Other names: c.748A>G, p.Ser250Gly (NM_001105207.3, NM_002290.5); short protein forms S250G.
Identifiers: ClinVar variation 2717446 (VCV002717446.3), dbSNP rs1293864282, ClinGen allele CA365376791.
Genomic context (GRCh38, chr6:112,189,176, plus strand): 5'-TTGGGCAGTCCATGCCTGTAGGGGGTTCAAAACCTTCTTCCAAGCATTCTCCGGTTACAC[T>C]GTCACATGGGCCTCCCCCGCAGTTGCACACTGTGGGAAACAAAAACAAGAGACGAGAAAT-3'
Protein context (NP_001098676.2, residues 240-260): VCNCGGGPCD[Ser250Gly]VTGECLEEGF